The following is an entry in ClinVar:

ClinVar aggregate classification (germline): Pathogenic (1 of 4 stars; one submission).

Conditions:
Early-infantile DEE. Also called: Early infantile epileptic encephalopathy; Ohtahara syndrome; Early infantile epileptic encephalopathy with suppression bursts. Identifiers: Orphanet 1934, MedGen C0393706, MONDO:0800491.

Submission:

Labcorp Genetics (formerly Invitae), Labcorp
Classification: Pathogenic for Early-infantile DEE. Last evaluated: 2022-05-05. Review status: criteria provided, single submitter. Criteria: Invitae Variant Classification Sherloc (09022015). Collection method: clinical testing. Allele origin: germline.
Comment: For these reasons, this variant has been classified as Pathogenic. This variant disrupts the p.Asp936 amino acid residue in SCN1A. Other variant(s) that disrupt this residue have been observed in individuals with SCN1A-related conditions (PMID: 23485646; Invitae), which suggests that this may be a clinically significant amino acid residue. Advanced modeling of protein sequence and biophysical properties (such as structural, functional, and spatial information, amino acid conservation, physicochemical variation, residue mobility, and thermodynamic stability) performed at Invitae indicates that this missense variant is expected to disrupt SCN1A protein function. This missense change has been observed in individual(s) with Dravet syndrome (Invitae). This variant is not present in population databases (gnomAD no frequency). This sequence change replaces aspartic acid, which is acidic and polar, with alanine, which is neutral and non-polar, at codon 936 of the SCN1A protein (p.Asp936Ala).

Literature cited by the submitters: PubMed 23485646.

NM_001165963.4(SCN1A):c.2807A>C (p.Asp936Ala)

Gene: SCN1A (sodium voltage-gated channel alpha subunit 1; minus strand). Cytogenetic location: 2q24.3.
Variant type: single nucleotide variant.
Coding change: c.2807A>C on transcript NM_001165963.4 (MANE Select); coding-DNA position 2807, A replaced by C.
Protein change: p.Asp936Ala; replaces aspartic acid 936 with alanine.
Molecular consequence: missense variant. On other transcripts: non-coding transcript variant (1).
Genome position (GRCh38, 1-based): chr2:166,037,915, T>G on the plus strand (A>C on the coding strand, the complement: SCN1A is on the minus strand). VCF-style: chr2-166037915-T-G. GRCh37 (hg19) VCF-style: chr2-166894425-T-G.
Other names: c.2771A>C, p.Asp924Ala (NM_001353954.2, NM_001353955.2); c.2723A>C, p.Asp908Ala (NM_001353957.2, NM_001353958.2, NM_001165964.3); c.2720A>C, p.Asp907Ala (NM_001353960.2); c.365A>C, p.Asp122Ala (NM_001353961.2); c.2774A>C, p.Asp925Ala (NM_006920.6, NM_001353949.2, NM_001353950.2 and 2 more transcripts); c.2807A>C, p.Asp936Ala (NM_001202435.3, NM_001353948.2); short protein forms D122A, D908A, D907A, D924A, D925A, D936A.
Identifiers: ClinVar variation 2134121 (VCV002134121.4), dbSNP rs2468096951, ClinGen allele CA349061331.
Genomic context (GRCh38, chr2:166,037,915, plus strand): 5'-ATGGTCTCTATCCACTCCCCACACAGCACGCGGAACACAATCAGGAAGGAGTGGAAGAAG[T>G]CATTCATGTGCCAGCGTGGGAGTTGACAATCACTGGCGATCTTGCAGACACAATCTTTGT-3'
Protein context (NP_001159435.1, residues 926-946): DCQLPRWHMN[Asp936Ala]FFHSFLIVFR